The following is an entry in ClinVar:

ClinVar aggregate classification (germline): Pathogenic (0 of 4 stars; one submission).

Conditions:
Amelogenesis imperfecta (AI). Also called: Congenital enamel hypoplasia. Identifiers: Orphanet 88661, MedGen C0002452, MONDO:0019507, HP:0000705.

Submission:

Dental Genetics Laboratory, Seoul National University School of Dentistry
Classification: Pathogenic for Amelogenesis Imperfecta. Review status: no assertion criteria provided. Collection method: clinical testing. Allele origin: maternal. Inheritance: X-linked inheritance. Affected: yes. Observed: 1 hemizygote.
Comment: Splicing assay including exons 4 and 5 revealed that exon 4 was almost skipped in the wild type, whereas exon 4 was more frequently included than skipped in the mutant construct. A single nucleotide change causing synonymous change in the middle of the AMELX exon 4, which is almost always skipped during pre-mRNA splicing, causes an increased exon definition by the strengthening of SC35 binding and the weakening of ESS motif binding. A transgenic model was generated and characterized to show tooth enamel defects mimicking the AI phenotype.

Literature cited by the submitters: PubMed 25117480.

NM_001142.2(AMELX):c.103-116T>C

Genes: AMELX (amelogenin X-linked; plus strand), ARHGAP6 (Rho GTPase activating protein 6; minus strand). Cytogenetic location: Xp22.2.
Variant type: single nucleotide variant.
Coding change: c.103-116T>C on transcript NM_001142.2 (MANE Select); 116 bases into the intron before coding-DNA position 103, T replaced by C.
Molecular consequence: intron variant. On other transcripts: synonymous variant (1).
Genome position (GRCh38, 1-based): chrX:11,298,120, T>C. VCF-style: chrX-11298120-T-C. GRCh37 (hg19) VCF-style: chrX-11316240-T-C.
Other names: c.120T>C, p.Ala40= (NM_182680.1); c.589-43413A>G (NM_013427.3, NM_006125.3); c.49-43413A>G (NM_001287242.2); c.55-116T>C (NM_182681.1).
Identifiers: ClinVar variation 4537506 (VCV004537506.1).
Genomic context (GRCh38, chrX:11,298,120, plus strand): 5'-AGGAAGCACCCAACAAATTTTTACCTTCTTCTTTCTTTTGTAGAACTCACATTCTCAGGC[T>C]ATCAATGTTGACAGGACTGCATTAGTGAGTCTATATTTCCTACTGCATCAGTGAGTTTCT-3'